The following is an entry in ClinVar:

ClinVar aggregate classification (germline): Uncertain significance. Review status: criteria provided, multiple submitters, no conflicts (2 of 4 stars). 2 submissions from 2 submitters: Uncertain significance (2). Last evaluated 2024-01-09.

Conditions:
Inborn genetic diseases. Identifiers: MedGen C0950123, MeSH D030342.

Allele frequency attached by ClinVar (database versions not stated): ExAC 0.00003; gnomAD 0.00004; TOPMed 0.00005.
gnomAD v4.1: 59 of 1,613,572 alleles (0.0037%); highest among the groups gnomAD compares: African/African-American, 0.0067%; no homozygotes.

Submissions (2):

Ambry Genetics
Classification: Uncertain significance for Inborn genetic diseases. Last evaluated: 2024-01-09. Review status: criteria provided, single submitter. Criteria: Ambry Variant Classification Scheme 2023. Collection method: clinical testing. Allele origin: germline.

Labcorp Genetics (formerly Invitae), Labcorp
Classification: Uncertain significance. Last evaluated: 2023-11-20. Review status: criteria provided, single submitter. Criteria: Invitae Variant Classification Sherloc (09022015). Collection method: clinical testing. Allele origin: germline.
Comment: This sequence change replaces arginine, which is basic and polar, with cysteine, which is neutral and slightly polar, at codon 1724 of the COL7A1 protein (p.Arg1724Cys). This variant is present in population databases (rs764007836, gnomAD 0.01%). This variant has not been reported in the literature in individuals affected with COL7A1-related conditions. ClinVar contains an entry for this variant (Variation ID: 2063527). Advanced modeling of protein sequence and biophysical properties (such as structural, functional, and spatial information, amino acid conservation, physicochemical variation, residue mobility, and thermodynamic stability) has been performed at Invitae for this missense variant, however the output from this modeling did not meet the statistical confidence thresholds required to predict the impact of this variant on COL7A1 protein function. In summary, the available evidence is currently insufficient to determine the role of this variant in disease. Therefore, it has been classified as a Variant of Uncertain Significance.

NM_000094.4(COL7A1):c.5170C>T (p.Arg1724Cys)

Gene: COL7A1 (collagen type VII alpha 1 chain; minus strand). Cytogenetic location: 3p21.31.
Variant type: single nucleotide variant.
Coding change: c.5170C>T on transcript NM_000094.4 (MANE Select); coding-DNA position 5170, C replaced by T.
Protein change: p.Arg1724Cys; replaces arginine 1724 with cysteine.
Molecular consequence: missense variant.
Genome position (GRCh38, 1-based): chr3:48,579,653, G>A on the plus strand (C>T on the coding strand, the complement: COL7A1 is on the minus strand). VCF-style: chr3-48579653-G-A. GRCh37 (hg19) VCF-style: chr3-48617086-G-A.
Other names: short protein forms R1724C.
Identifiers: ClinVar variation 2063527 (VCV002063527.3), dbSNP rs764007836, ClinGen allele CA2379623.